The following is an entry in ClinVar:

NM_006767.4(LZTR1):c.1585T>A (p.Tyr529Asn)

Gene: LZTR1 (leucine zipper like post translational regulator 1; plus strand). Cytogenetic location: 22q11.21.
Variant type: single nucleotide variant.
Coding change: c.1585T>A on transcript NM_006767.4 (MANE Select); coding-DNA position 1585, T replaced by A.
Protein change: p.Tyr529Asn; replaces tyrosine 529 with asparagine.
Molecular consequence: missense variant.
Genome position (GRCh38, 1-based): chr22:20,994,239, T>A. VCF-style: chr22-20994239-T-A. GRCh37 (hg19) VCF-style: chr22-21348528-T-A.
Other names: short protein forms Y529N.
Identifiers: ClinVar variation 2447711 (VCV002447711.3), dbSNP rs767374538, ClinGen allele CA10118948.

ClinVar aggregate classification (germline): Uncertain significance. Review status: criteria provided, multiple submitters, no conflicts (2 of 4 stars). 2 submissions from 2 submitters: Uncertain significance (2). Last evaluated 2023-10-18.

Conditions:
Cardiovascular phenotype. Identifiers: MedGen CN230736.
Hereditary cancer-predisposing syndrome. Also called: Neoplastic Syndromes, Hereditary; Hereditary Cancer Syndrome; Tumor predisposition; Hereditary neoplastic syndrome. Identifiers: Orphanet 140162, MedGen C0027672, MeSH D009386, MONDO:0015356.

Allele frequency attached by ClinVar (database versions not stated): gnomAD exomes below 0.00001; ExAC 0.00001.
gnomAD v4.1: 2 of 1,599,600 alleles (0.00013%); highest among the groups gnomAD compares: South Asian, 0.0022%; no homozygotes.

Submissions (2):

GeneDx
Classification: Uncertain significance. Last evaluated: 2023-10-18. Review status: criteria provided, single submitter. Criteria: GeneDx Variant Classification Process June 2021. Collection method: clinical testing. Allele origin: germline. Affected: yes.
Comment: Not observed at significant frequency in large population cohorts (gnomAD); In silico analysis supports that this missense variant has a deleterious effect on protein structure/function; Has not been previously published as pathogenic or benign to our knowledge

Ambry Genetics
Classification: Uncertain significance for Cardiovascular phenotype; Hereditary cancer-predisposing syndrome. Last evaluated: 2022-12-04. Review status: criteria provided, single submitter. Criteria: Ambry Variant Classification Scheme 2023. Collection method: clinical testing. Allele origin: germline.
Comment: The p.Y529N variant (also known as c.1585T>A), located in coding exon 14 of the LZTR1 gene, results from a T to A substitution at nucleotide position 1585. The tyrosine at codon 529 is replaced by asparagine, an amino acid with dissimilar properties. This amino acid position is conserved. In addition, this alteration is predicted to be deleterious by in silico analysis. Since supporting evidence is limited at this time, the clinical significance of this alteration remains unclear.